The following is an entry in ClinVar:

ClinVar aggregate classification (germline): Uncertain significance (1 of 4 stars; one submission).

Allele frequency attached by ClinVar (database versions not stated): TOPMed below 0.00001; ExAC 0.00001.

Submission:

Labcorp Genetics (formerly Invitae), Labcorp
Classification: Uncertain significance. Last evaluated: 2022-05-30. Review status: criteria provided, single submitter. Criteria: Invitae Variant Classification Sherloc (09022015). Collection method: clinical testing. Allele origin: germline.
Comment: Algorithms developed to predict the effect of missense changes on protein structure and function (SIFT, PolyPhen-2, Align-GVGD) all suggest that this variant is likely to be tolerated. This variant has not been reported in the literature in individuals affected with CFAP410-related conditions. This sequence change replaces glutamic acid, which is acidic and polar, with lysine, which is basic and polar, at codon 148 of the CFAP410 protein (p.Glu148Lys). This variant is present in population databases (rs759456714, gnomAD 0.003%). In summary, the available evidence is currently insufficient to determine the role of this variant in disease. Therefore, it has been classified as a Variant of Uncertain Significance.

NM_004928.3(CFAP410):c.442G>A (p.Glu148Lys)

Gene: CFAP410 (cilia and flagella associated protein 410; minus strand). Cytogenetic location: 21q22.3.
Variant type: single nucleotide variant.
Coding change: c.442G>A on transcript NM_004928.3 (MANE Select); coding-DNA position 442, G replaced by A.
Protein change: p.Glu148Lys; replaces glutamic acid 148 with lysine.
Molecular consequence: missense variant.
Genome position (GRCh38, 1-based): chr21:44,331,946, C>T on the plus strand (G>A on the coding strand, the complement: CFAP410 is on the minus strand). VCF-style: chr21-44331946-C-T. GRCh37 (hg19) VCF-style: chr21-45751829-C-T.
Other names: c.442G>A, p.Glu148Lys (NM_001271440.2, NM_001271441.2); c.319G>A, p.Glu107Lys (NM_001271442.1); short protein forms E107K, E148K.
Identifiers: ClinVar variation 2116848 (VCV002116848.4), dbSNP rs759456714, ClinGen allele CA10053674.